The following is an entry in ClinVar:

ClinVar aggregate classification (germline): Uncertain significance (1 of 4 stars; one submission).

Conditions:
Cardiovascular phenotype. Identifiers: MedGen CN230736.

Submission:

Ambry Genetics
Classification: Uncertain significance for Cardiovascular phenotype. Last evaluated: 2022-08-24. Review status: criteria provided, single submitter. Criteria: Ambry Variant Classification Scheme 2023. Collection method: clinical testing. Allele origin: germline.
Comment: The p.G562D variant (also known as c.1685G>A), located in coding exon 9 of the JUP gene, results from a G to A substitution at nucleotide position 1685. The glycine at codon 562 is replaced by aspartic acid, an amino acid with similar properties. This amino acid position is conserved. In addition, this alteration is predicted to be deleterious by in silico analysis. Since supporting evidence is limited at this time, the clinical significance of this alteration remains unclear.

NM_002230.4(JUP):c.1685G>A (p.Gly562Asp)

Gene: JUP (junction plakoglobin; minus strand). Cytogenetic location: 17q21.2.
Variant type: single nucleotide variant.
Coding change: c.1685G>A on transcript NM_002230.4 (MANE Select); coding-DNA position 1685, G replaced by A.
Protein change: p.Gly562Asp; replaces glycine 562 with aspartic acid.
Molecular consequence: missense variant.
Genome position (GRCh38, 1-based): chr17:41,758,487, C>T on the plus strand (G>A on the coding strand, the complement: JUP is on the minus strand). VCF-style: chr17-41758487-C-T. GRCh37 (hg19) VCF-style: chr17-39914739-C-T.
Other names: c.1685G>A, p.Gly562Asp (NM_001352773.2, NM_001352774.2, NM_001352775.2 and 3 more transcripts); short protein forms G562D.
Identifiers: ClinVar variation 1777987 (VCV001777987.2), dbSNP rs2544050218, ClinGen allele CA399493150.